The following is an entry in ClinVar:

ClinVar aggregate classification (germline): Uncertain significance (1 of 4 stars; one submission).

Submission:

GeneDx
Classification: Uncertain significance. Last evaluated: 2024-12-31. Review status: criteria provided, single submitter. Criteria: GeneDx Variant Classification Process June 2021. Collection method: clinical testing. Allele origin: germline. Affected: yes.
Comment: Not observed at significant frequency in large population cohorts (gnomAD); Frameshift variant predicted to result in protein truncation or nonsense mediated decay in a gene or region of a gene for which loss of function is not a well-established mechanism of disease; Has not been previously published as pathogenic or benign to our knowledge; Variants in candidate genes are classified as variants of uncertain significance in accordance with ACMG guidelines (PMID: 25741868)

NM_033026.6(PCLO):c.10048del (p.Trp3350fs)

Gene: PCLO (piccolo presynaptic cytomatrix protein; minus strand). Cytogenetic location: 7q21.11.
Variant type: Deletion.
Coding change: c.10048del on transcript NM_033026.6 (MANE Select); coding-DNA position 10048, one base deleted (T; older notation c.10048delT).
Protein change: p.Trp3350fs; shifts the reading frame from tryptophan 3350.
Molecular consequence: frameshift variant.
Genome position (GRCh38, 1-based): chr7:82,950,540, A deleted on the plus strand (T on the coding strand, the reverse complement: PCLO is on the minus strand); the first of 4 consecutive A bases (chr7:82,950,540-82,950,543); deleting any one gives the same sequence. VCF-style (leftmost placement, unchanged base first): chr7-82950539-CA-C. GRCh37 (hg19) VCF-style: chr7-82579855-CA-C.
Other names: c.10048del, p.Trp3350fs (NM_014510.3); short protein forms W3350fs.
Identifiers: ClinVar variation 3908060 (VCV003908060.1).